The following is an entry in ClinVar:

ClinVar aggregate classification (germline): Uncertain significance. Review status: criteria provided, multiple submitters, no conflicts (2 of 4 stars). 2 submissions from 2 submitters: Uncertain significance (2). Last evaluated 2026-04-06.

Conditions:
Inborn genetic diseases. Identifiers: MedGen C0950123, MeSH D030342.

Allele frequency attached by ClinVar (database versions not stated): TOPMed 0.00002; ExAC 0.00003; gnomAD exomes 0.00003.
gnomAD v4.1: 18 of 1,613,622 alleles (0.0011%); highest among the groups gnomAD compares: Admixed American, 0.03%; no homozygotes.

Submissions (2):

Ambry Genetics
Classification: Uncertain significance for Inborn genetic diseases. Last evaluated: 2026-04-06. Review status: criteria provided, single submitter. Criteria: Ambry Variant Classification Scheme 2023. Collection method: clinical testing. Allele origin: germline.
Comment: The c.1366A>G (p.K456E) alteration is located in exon 10 (coding exon 10) of the PPP1R12A gene. This alteration results from a A to G substitution at nucleotide position 1366, causing the lysine (K) at amino acid position 456 to be replaced by a glutamic acid (E). Based on data from gnomAD, the G allele has an overall frequency of 0.005% (12/248684) total alleles studied. The highest observed frequency was 0.035% (12/34398) of Latino alleles. Based on insufficient or conflicting evidence, the clinical significance of this alteration remains unclear.

Labcorp Genetics (formerly Invitae), Labcorp
Classification: Uncertain significance. Last evaluated: 2024-06-25. Review status: criteria provided, single submitter. Criteria: Invitae Variant Classification Sherloc (09022015). Collection method: clinical testing. Allele origin: germline.
Comment: This sequence change replaces lysine, which is basic and polar, with glutamic acid, which is acidic and polar, at codon 456 of the PPP1R12A protein (p.Lys456Glu). This variant is present in population databases (rs765815920, gnomAD 0.03%). This variant has not been reported in the literature in individuals affected with PPP1R12A-related conditions. An algorithm developed to predict the effect of missense changes on protein structure and function (PolyPhen-2) suggests that this variant is likely to be disruptive. In summary, the available evidence is currently insufficient to determine the role of this variant in disease. Therefore, it has been classified as a Variant of Uncertain Significance.

NM_002480.3(PPP1R12A):c.1366A>G (p.Lys456Glu)

Gene: PPP1R12A (protein phosphatase 1 regulatory subunit 12A; minus strand). Cytogenetic location: 12q21.2.
Variant type: single nucleotide variant.
Coding change: c.1366A>G on transcript NM_002480.3 (MANE Select); coding-DNA position 1366, A replaced by G.
Protein change: p.Lys456Glu; replaces lysine 456 with glutamic acid.
Molecular consequence: missense variant.
Genome position (GRCh38, 1-based): chr12:79,809,884, T>C on the plus strand (A>G on the coding strand, the complement: PPP1R12A is on the minus strand). VCF-style: chr12-79809884-T-C. GRCh37 (hg19) VCF-style: chr12-80203664-T-C.
Other names: c.1366A>G, p.Lys456Glu (NM_001143885.2, NM_001244990.2, NM_001244992.1); c.1105A>G, p.Lys369Glu (NM_001143886.2); short protein forms K369E, K456E.
Identifiers: ClinVar variation 3217403 (VCV003217403.4), dbSNP rs765815920, ClinGen allele CA6699693.